The following is an entry in ClinVar:

NM_206933.4(USH2A):c.13524del (p.Thr4508_Val4509insTer)

Gene: USH2A (usherin; minus strand). Cytogenetic location: 1q41.
Variant type: Deletion.
Coding change: c.13524del on transcript NM_206933.4 (MANE Select); coding-DNA position 13524, one base deleted (A; older notation c.13524delA).
Protein change: p.Thr4508_Val4509insTer.
Molecular consequence: frameshift variant.
Genome position (GRCh38, 1-based): chr1:215,674,387, T deleted on the plus strand (A on the coding strand, the reverse complement: USH2A is on the minus strand). VCF-style (leftmost placement, unchanged base first): chr1-215674386-CT-C. GRCh37 (hg19) VCF-style: chr1-215847728-CT-C.
Identifiers: ClinVar variation 2858033 (VCV002858033.3), dbSNP rs2464894805, ClinGen allele CA2739275671.

ClinVar aggregate classification (germline): Pathogenic (1 of 4 stars; one submission).

Submission:

Labcorp Genetics (formerly Invitae), Labcorp
Classification: Pathogenic. Last evaluated: 2023-04-20. Review status: criteria provided, single submitter. Criteria: Invitae Variant Classification Sherloc (09022015). Collection method: clinical testing. Allele origin: germline.
Comment: This variant is not present in population databases (gnomAD no frequency). This sequence change creates a premature translational stop signal (p.Val4509*) in the USH2A gene. It is expected to result in an absent or disrupted protein product. Loss-of-function variants in USH2A are known to be pathogenic (PMID: 10729113, 10909849, 20507924, 25649381). This variant has not been reported in the literature in individuals affected with USH2A-related conditions. For these reasons, this variant has been classified as Pathogenic.

Literature cited by the submitters: PubMed 10729113; PubMed 10909849; PubMed 20507924; PubMed 25649381.